The following is an entry in ClinVar:

NM_001848.3(COL6A1):c.1096G>A (p.Ala366Thr)

Gene: COL6A1 (collagen type VI alpha 1 chain; plus strand). Cytogenetic location: 21q22.3.
Variant type: single nucleotide variant.
Coding change: c.1096G>A on transcript NM_001848.3 (MANE Select); coding-DNA position 1096, G replaced by A.
Protein change: p.Ala366Thr; replaces alanine 366 with threonine.
Molecular consequence: missense variant.
Genome position (GRCh38, 1-based): chr21:45,991,018, G>A. VCF-style: chr21-45991018-G-A. GRCh37 (hg19) VCF-style: chr21-47410932-G-A.
Other names: p.Ala366Thr; short protein forms A366T.
Identifiers: ClinVar variation 284829 (VCV000284829.29), dbSNP rs183994910, ClinGen allele CA10070079.

ClinVar aggregate classification (germline): Conflicting classifications of pathogenicity. Review status: criteria provided, conflicting classifications (1 of 4 stars). 7 submissions from 7 submitters: Uncertain significance (4); Benign (1); Likely benign (2). Last evaluated 2025-08-03.

Conditions:
Collagen 6-related myopathy. Identifiers: MedGen CN117976, MONDO:0100225.
Bethlem myopathy 1A. Also called: Bethlem myopathy 1; Bethlem Muscular Dystrophy; MYOPATHY, BENIGN CONGENITAL, WITH CONTRACTURES. Identifiers: Orphanet 610, MedGen CN029274, MONDO:0024530, OMIM 158810.

Allele frequency attached by ClinVar (database versions not stated): gnomAD exomes 0.00023 and 0.00028; ExAC 0.00025; TOPMed 0.00031; gnomAD 0.00032 and 0.00036; 1000 Genomes Project 30x 0.00016; 1000 Genomes Project 0.00020.
gnomAD v4.1: 461 of 1,613,380 alleles (0.029%); highest among the groups gnomAD compares: African/African-American, 0.067%; no homozygotes.

Submissions (7):

Mayo Clinic Laboratories, Mayo Clinic
Classification: Uncertain significance. Last evaluated: 2025-08-03. Review status: criteria provided, single submitter. Criteria: ACMG Guidelines, 2015. Collection method: clinical testing. Allele origin: germline. Observed: 1 variant allele.
Comment: BP4

GeneDx
Classification: Uncertain significance. Last evaluated: 2024-12-03. Review status: criteria provided, single submitter. Criteria: GeneDx Variant Classification Process June 2021. Collection method: clinical testing. Allele origin: germline. Affected: yes.
Comment: Reported previously as a variant of uncertain significance in individuals with clinically suspected LGMD, however further clinical information was not provided (PMID: 30564623); In silico analysis indicates that this missense variant does not alter protein structure/function; This variant is associated with the following publications: (PMID: 30564623)

CeGaT Center for Human Genetics Tuebingen
Classification: Uncertain significance. Last evaluated: 2024-09-01. Review status: criteria provided, single submitter. Criteria: CeGaT Center For Human Genetics Tuebingen Variant Classification Criteria Version 2. Collection method: clinical testing. Allele origin: germline. Affected: yes. Observed: 1 variant allele.
Comment: COL6A1: PM2

Revvity Omics, Revvity
Classification: Likely benign. Last evaluated: 2024-05-22. Review status: criteria provided, single submitter. Criteria: ACMG Guidelines, 2015. Collection method: clinical testing. Allele origin: germline.

Labcorp Genetics (formerly Invitae), Labcorp
Classification: Likely benign for Bethlem myopathy 1A. Last evaluated: 2020-07-09. Review status: criteria provided, single submitter. Criteria: Invitae Variant Classification Sherloc (09022015). Collection method: clinical testing. Allele origin: germline.

Illumina Laboratory Services, Illumina
Classification: Benign for Collagen VI-related myopathy. Last evaluated: 2018-01-12. Review status: criteria provided, single submitter. Criteria: ICSL Variant Classification Criteria 13 December 2019. Collection method: clinical testing. Allele origin: germline.
Comment: This variant was observed in the ICSL laboratory as part of a predisposition screen in an ostensibly healthy population. It had not been previously curated by ICSL or reported in the Human Gene Mutation Database (HGMD: prior to June 1st, 2018), and was therefore a candidate for classification through an automated scoring system. Utilizing variant allele frequency, disease prevalence and penetrance estimates, and inheritance mode, an automated score was calculated to assess if this variant is too frequent to cause the disease. Based on the score and internal cut-off values, a variant classified as benign is not then subjected to further curation. The score for this variant resulted in a classification of benign for this disease.

Eurofins Ntd Llc (ga)
Classification: Uncertain significance. Last evaluated: 2016-12-03. Review status: criteria provided, single submitter. Criteria: EGL Classification Definitions 2015. Collection method: clinical testing. Allele origin: germline. Observed: 5 variant alleles, 5 heterozygotes.

Literature cited by the submitters: PubMed 30564623 (cited by Mayo Clinic Laboratories, Mayo Clinic).